The following is an entry in ClinVar:

NM_001379500.1(COL18A1):c.2369G>A (p.Arg790Gln)

Gene: COL18A1 (collagen type XVIII alpha 1 chain; plus strand). Cytogenetic location: 21q22.3.
Variant type: single nucleotide variant.
Coding change: c.2369G>A on transcript NM_001379500.1 (MANE Select); coding-DNA position 2369, G replaced by A.
Protein change: p.Arg790Gln; replaces arginine 790 with glutamine.
Molecular consequence: missense variant.
Genome position (GRCh38, 1-based): chr21:45,494,561, G>A. VCF-style: chr21-45494561-G-A. GRCh37 (hg19) VCF-style: chr21-46914475-G-A.
Other names: c.2909G>A, p.Arg970Gln (NM_030582.4); c.3614G>A, p.Arg1205Gln (NM_130444.3); short protein forms R790Q, R970Q, R1205Q.
Identifiers: ClinVar variation 2190024 (VCV002190024.4), dbSNP rs768453031, ClinGen allele CA10067024.

ClinVar aggregate classification (germline): Uncertain significance (1 of 4 stars; one submission).

Allele frequency attached by ClinVar (database versions not stated): gnomAD exomes 0.00001; TOPMed 0.00001; ExAC 0.00004; gnomAD 0.00004.
gnomAD v4.1: 22 of 1,613,268 alleles (0.0014%); highest among the groups gnomAD compares: South Asian, 0.012%; no homozygotes.

Submission:

Labcorp Genetics (formerly Invitae), Labcorp
Classification: Uncertain significance. Last evaluated: 2024-10-24. Review status: criteria provided, single submitter. Criteria: Invitae Variant Classification Sherloc (09022015). Collection method: clinical testing. Allele origin: germline.
Comment: This sequence change replaces arginine, which is basic and polar, with glutamine, which is neutral and polar, at codon 790 of the COL18A1 protein (p.Arg790Gln). The frequency data for this variant in the population databases is considered unreliable, as metrics indicate poor data quality at this position in the gnomAD database. This variant has not been reported in the literature in individuals affected with COL18A1-related conditions. ClinVar contains an entry for this variant (Variation ID: 2190024). Experimental studies and prediction algorithms are not available or were not evaluated, and the functional significance of this variant is currently unknown. In summary, the available evidence is currently insufficient to determine the role of this variant in disease. Therefore, it has been classified as a Variant of Uncertain Significance.